The following is an entry in ClinVar:

NM_006659.4(TUBGCP2):c.2374G>T (p.Ala792Ser)

Gene: TUBGCP2 (tubulin gamma complex component 2; minus strand). Cytogenetic location: 10q26.3.
Variant type: single nucleotide variant.
Coding change: c.2374G>T on transcript NM_006659.4 (MANE Select); coding-DNA position 2374, G replaced by T.
Protein change: p.Ala792Ser; replaces alanine 792 with serine.
Molecular consequence: missense variant. On other transcripts: non-coding transcript variant (1).
Genome position (GRCh38, 1-based): chr10:133,282,258, C>A on the plus strand (G>T on the coding strand, the complement: TUBGCP2 is on the minus strand). VCF-style: chr10-133282258-C-A. GRCh37 (hg19) VCF-style: chr10-135095762-C-A.
Other names: c.2458G>T, p.Ala820Ser (NM_001256617.2); c.1984G>T, p.Ala662Ser (NM_001256618.2); c.2458G>T (NM_001256617.1); short protein forms A662S, A792S, A820S.
Identifiers: ClinVar variation 3184789 (VCV003184789.2), dbSNP rs373693348, ClinGen allele CA5763532.

ClinVar aggregate classification (germline): Uncertain significance. Review status: criteria provided, multiple submitters, no conflicts (2 of 4 stars). 2 submissions from 2 submitters: Uncertain significance (2). Last evaluated 2026-02-10.

Allele frequency attached by ClinVar (database versions not stated): ExAC 0.00002; ESP Exome Variant Server 0.00015; gnomAD 0.00027.
gnomAD v4.1: 62 of 1,611,742 alleles (0.0038%); highest among the groups gnomAD compares: African/African-American, 0.068%; no homozygotes.

Submissions (2):

GeneDx
Classification: Uncertain significance. Last evaluated: 2026-02-10. Review status: criteria provided, single submitter. Criteria: GeneDx Variant Classification Process June 2021. Collection method: clinical testing. Allele origin: germline.
Comment: In silico analysis suggests that this missense variant does not alter protein structure/function; Has not been previously published as pathogenic or benign to our knowledge

Ambry Genetics
Classification: Uncertain significance. Last evaluated: 2023-12-22. Review status: criteria provided, single submitter. Criteria: Ambry Variant Classification Scheme 2023. Collection method: clinical testing. Allele origin: germline.